The following is an entry in ClinVar:

ClinVar aggregate classification (germline): Uncertain significance. Review status: criteria provided, multiple submitters, no conflicts (2 of 4 stars). 2 submissions from 2 submitters: Uncertain significance (2). Last evaluated 2025-05-16.

Conditions:
Inborn genetic diseases. Identifiers: MedGen C0950123, MeSH D030342.

Allele frequency attached by ClinVar (database versions not stated): gnomAD 0.00001; ExAC 0.00002; gnomAD exomes 0.00002 and 0.00004; TOPMed 0.00002.
gnomAD v4.1: 60 of 1,613,540 alleles (0.0037%); highest among the groups gnomAD compares: Non-Finnish European, 0.0044%; no homozygotes.

Submissions (2):

Ambry Genetics
Classification: Uncertain significance for Inborn genetic diseases. Last evaluated: 2025-05-16. Review status: criteria provided, single submitter. Criteria: Ambry Variant Classification Scheme 2023. Collection method: clinical testing. Allele origin: germline.

Labcorp Genetics (formerly Invitae), Labcorp
Classification: Uncertain significance. Last evaluated: 2023-08-24. Review status: criteria provided, single submitter. Criteria: Invitae Variant Classification Sherloc (09022015). Collection method: clinical testing. Allele origin: germline.
Comment: ClinVar contains an entry for this variant (Variation ID: 1371650). This variant has not been reported in the literature in individuals affected with LONP1-related conditions. This variant is present in population databases (rs756969382, gnomAD 0.003%). This sequence change replaces proline, which is neutral and non-polar, with serine, which is neutral and polar, at codon 585 of the LONP1 protein (p.Pro585Ser). Advanced modeling of protein sequence and biophysical properties (such as structural, functional, and spatial information, amino acid conservation, physicochemical variation, residue mobility, and thermodynamic stability) has been performed at Invitae for this missense variant, however the output from this modeling did not meet the statistical confidence thresholds required to predict the impact of this variant on LONP1 protein function. In summary, the available evidence is currently insufficient to determine the role of this variant in disease. Therefore, it has been classified as a Variant of Uncertain Significance.

NM_004793.4(LONP1):c.1753C>T (p.Pro585Ser)

Gene: LONP1 (lon peptidase 1, mitochondrial; minus strand). Cytogenetic location: 19p13.3.
Variant type: single nucleotide variant.
Coding change: c.1753C>T on transcript NM_004793.4 (MANE Select); coding-DNA position 1753, C replaced by T.
Protein change: p.Pro585Ser; replaces proline 585 with serine.
Molecular consequence: missense variant. On other transcripts: non-coding transcript variant (1).
Genome position (GRCh38, 1-based): chr19:5,696,690, G>A on the plus strand (C>T on the coding strand, the complement: LONP1 is on the minus strand). VCF-style: chr19-5696690-G-A. GRCh37 (hg19) VCF-style: chr19-5696701-G-A.
Other names: c.1561C>T, p.Pro521Ser (NM_001276479.2); c.1165C>T, p.Pro389Ser (NM_001276480.1); c.1753C>T (NM_004793.2); short protein forms P389S, P585S, P521S.
Identifiers: ClinVar variation 1371650 (VCV001371650.7), dbSNP rs756969382, ClinGen allele CA9114531.